The following is an entry in ClinVar:

ClinVar aggregate classification (germline): Uncertain significance. Review status: criteria provided, multiple submitters, no conflicts (2 of 4 stars). 2 submissions from 2 submitters: Uncertain significance (2). Last evaluated 2025-05-01.

Conditions:
Autoimmune lymphoproliferative syndrome type 1. Also called: AUTOIMMUNE LYMPHOPROLIFERATIVE SYNDROME, TYPE I, AUTOSOMAL DOMINANT. Identifiers: Orphanet 3261, MedGen C2717884, MONDO:0011158, OMIM 601859.

Allele frequency attached by ClinVar (database versions not stated): gnomAD exomes below 0.00001.
gnomAD v4.1: 1 of 1,614,160 alleles (0.000062%); highest among the groups gnomAD compares: Non-Finnish European, 0.000085%; no homozygotes.

Submissions (2):

CeGaT Center for Human Genetics Tuebingen
Classification: Uncertain significance. Last evaluated: 2025-05-01. Review status: criteria provided, single submitter. Criteria: CeGaT Center For Human Genetics Tuebingen Variant Classification Criteria Version 2. Collection method: clinical testing. Allele origin: germline. Affected: yes. Observed: 1 variant allele.
Comment: FASLG: PM2, BP4

Labcorp Genetics (formerly Invitae), Labcorp
Classification: Uncertain significance for Autoimmune lymphoproliferative syndrome. Last evaluated: 2022-07-16. Review status: criteria provided, single submitter. Criteria: Invitae Variant Classification Sherloc (09022015). Collection method: clinical testing. Allele origin: germline.
Comment: In summary, the available evidence is currently insufficient to determine the role of this variant in disease. Therefore, it has been classified as a Variant of Uncertain Significance. Algorithms developed to predict the effect of missense changes on protein structure and function are either unavailable or do not agree on the potential impact of this missense change (SIFT: "Tolerated"; PolyPhen-2: "Possibly Damaging"; Align-GVGD: "Class C0"). This variant has not been reported in the literature in individuals affected with FASLG-related conditions. This variant is not present in population databases (gnomAD no frequency). This sequence change replaces lysine, which is basic and polar, with glutamic acid, which is acidic and polar, at codon 210 of the FASLG protein (p.Lys210Glu).

NM_000639.3(FASLG):c.628A>G (p.Lys210Glu)

Gene: FASLG (Fas ligand; plus strand). Cytogenetic location: 1q24.3.
Variant type: single nucleotide variant.
Coding change: c.628A>G on transcript NM_000639.3 (MANE Select); coding-DNA position 628, A replaced by G.
Protein change: p.Lys210Glu; replaces lysine 210 with glutamic acid.
Molecular consequence: missense variant. On other transcripts: 3 prime UTR variant (1).
Genome position (GRCh38, 1-based): chr1:172,665,798, A>G. VCF-style: chr1-172665798-A-G. GRCh37 (hg19) VCF-style: chr1-172634938-A-G.
Other names: c.*198A>G (NM_001302746.2); short protein forms K210E.
Identifiers: ClinVar variation 1715711 (VCV001715711.12), dbSNP rs2527597592, ClinGen allele CA343806270.